The following is an entry in ClinVar:

NC_000019.9:g.(?_40899863)_(40913849_?)dup

Genes: PRX (periaxin; minus strand), LOC130064453 (ATAC-STARR-seq lymphoblastoid silent region 10621; plus strand), LOC130064454 (ATAC-STARR-seq lymphoblastoid active region 14650; plus strand), LOC130064455 (ATAC-STARR-seq lymphoblastoid silent region 10622; plus strand). Cytogenetic location: 19q13.2.
Variant type: Duplication.
Identifiers: ClinVar variation 656287 (VCV000656287.7).

ClinVar aggregate classification (germline): Uncertain significance (1 of 4 stars; one submission).

Conditions:
Charcot-Marie-Tooth disease type 4. Also called: Charcot-Marie-Tooth, Type 4; Charcot-Marie-Tooth disease, type IV. Identifiers: Orphanet 64749, MedGen C4082197, MONDO:0018995.

Submission:

Labcorp Genetics (formerly Invitae), Labcorp
Classification: Uncertain significance for Charcot-Marie-Tooth disease type 4. Last evaluated: 2022-08-10. Review status: criteria provided, single submitter. Criteria: Invitae Variant Classification Sherloc (09022015). Collection method: clinical testing. Allele origin: germline.
Comment: In summary, the available evidence is currently insufficient to determine the role of this variant in disease. Therefore, it has been classified as a Variant of Uncertain Significance. This variant has not been reported in the literature in individuals affected with PRX-related conditions. A copy number gain of the genomic region encompassing the full coding sequence of the PRX gene has been identified. The boundaries of this event are unknown as they extend beyond the assayed region for this gene and therefore may encompass additional genes. As the precise location of this event is unknown, it may be in tandem or it may be located elsewhere in the genome.